The following is an entry in ClinVar:

NM_001366385.1(CARD14):c.823C>T (p.Arg275Cys)

Gene: CARD14 (caspase recruitment domain family member 14; plus strand). Cytogenetic location: 17q25.3.
Variant type: single nucleotide variant.
Coding change: c.823C>T on transcript NM_001366385.1 (MANE Select); coding-DNA position 823, C replaced by T.
Protein change: p.Arg275Cys; replaces arginine 275 with cysteine.
Molecular consequence: missense variant. On other transcripts: non-coding transcript variant (1).
Genome position (GRCh38, 1-based): chr17:80,188,524, C>T. VCF-style: chr17-80188524-C-T. GRCh37 (hg19) VCF-style: chr17-78162323-C-T.
Other names: c.823C>T, p.Arg275Cys (NM_001257970.1, NM_024110.4); c.112C>T, p.Arg38Cys (NM_052819.3); c.823C>T (NM_024110.3); short protein forms R275C, R38C.
Identifiers: ClinVar variation 1694246 (VCV001694246.10), dbSNP rs752302933, ClinGen allele CA8816524.

ClinVar aggregate classification (germline): Uncertain significance. Review status: criteria provided, multiple submitters, no conflicts (2 of 4 stars). 3 submissions from 3 submitters: Uncertain significance (3). Last evaluated 2025-08-23.

Conditions:
Autoinflammatory syndrome. Identifiers: Orphanet 93665, MedGen C3890737, MONDO:0019751.
Psoriasis 2. Identifiers: MedGen C1864497, MONDO:0011269, OMIM 602723.
Pityriasis rubra pilaris (PRP). Also called: Pityriasis rubra pilaris--familial type. Identifiers: Orphanet 2897, MedGen C0032027, MONDO:0100017, OMIM 173200, MONDO:0008251.
Inborn genetic diseases. Identifiers: MedGen C0950123, MeSH D030342.

Allele frequency attached by ClinVar (database versions not stated): TOPMed below 0.00001; ExAC 0.00002; gnomAD exomes 0.00002.
gnomAD v4.1: 13 of 1,521,498 alleles (0.00085%); highest among the groups gnomAD compares: Middle Eastern, 0.019%; no homozygotes.

Submissions (3):

Labcorp Genetics (formerly Invitae), Labcorp
Classification: Uncertain significance for Pityriasis rubra pilaris; Psoriasis 2. Last evaluated: 2025-08-23. Review status: criteria provided, single submitter. Criteria: Invitae Variant Classification Sherloc (09022015). Collection method: clinical testing. Allele origin: germline.
Comment: This sequence change replaces arginine, which is basic and polar, with cysteine, which is neutral and slightly polar, at codon 275 of the CARD14 protein (p.Arg275Cys). This variant is present in population databases (rs752302933, gnomAD 0.01%). This variant has not been reported in the literature in individuals affected with CARD14-related conditions. ClinVar contains an entry for this variant (Variation ID: 1694246). Invitae Evidence Modeling of protein sequence and biophysical properties (such as structural, functional, and spatial information, amino acid conservation, physicochemical variation, residue mobility, and thermodynamic stability) has been performed for this missense variant. However, the output from this modeling did not meet the statistical confidence thresholds required to predict the impact of this variant on CARD14 protein function. In summary, the available evidence is currently insufficient to determine the role of this variant in disease. Therefore, it has been classified as a Variant of Uncertain Significance.

Ambry Genetics
Classification: Uncertain significance for Inborn genetic diseases. Last evaluated: 2023-02-15. Review status: criteria provided, single submitter. Criteria: Ambry Variant Classification Scheme 2023. Collection method: clinical testing. Allele origin: germline.

Genome Diagnostics Laboratory, The Hospital for Sick Children
Classification: Uncertain significance for Autoinflammatory syndrome. Last evaluated: 2020-07-01. Review status: criteria provided, single submitter. Criteria: ACMG Guidelines, 2015. Collection method: clinical testing. Allele origin: germline. Affected: yes.